The following is an entry in ClinVar:

ClinVar aggregate classification (germline): Uncertain significance (1 of 4 stars; one submission).

Submission:

GeneDx
Classification: Uncertain significance. Last evaluated: 2026-03-18. Review status: criteria provided, single submitter. Criteria: GeneDx Variant Classification Process June 2021. Collection method: clinical testing. Allele origin: germline.
Comment: Not observed at significant frequency in large population cohorts (gnomAD); Frameshift variant predicted to result in protein truncation or nonsense mediated decay in a gene or region of a gene for which loss of function is not a well-established mechanism of disease; Has not been previously published as pathogenic or benign to our knowledge

NM_003601.4(SMARCA5):c.971_974del (p.Val324fs)

Gene: SMARCA5 (SNF2 related chromatin remodeling ATPase 5; plus strand). Cytogenetic location: 4q31.21.
Variant type: Deletion.
Coding change: c.971_974del on transcript NM_003601.4 (MANE Select); coding-DNA positions 971 to 974, 4 bases deleted (TGAG; older notation c.971_974delTGAG).
Protein change: p.Val324fs; shifts the reading frame from valine 324.
Molecular consequence: frameshift variant.
Genome position (GRCh38, 1-based): chr4:143,528,596-143,528,599, TGAG deleted; deleting any 4 consecutive bases within chr4:143,528,594-143,528,599 gives the same sequence; the c. name uses the placement nearest the transcript's 3' end. VCF-style (leftmost placement, unchanged base first): chr4-143528593-TAGTG-T. GRCh37 (hg19) VCF-style: chr4-144449746-TAGTG-T.
Other names: short protein forms V324fs.
Identifiers: ClinVar variation 5008938 (VCV005008938.1).